The following is an entry in ClinVar:

NM_133433.4(NIPBL):c.1178A>G (p.Asn393Ser)

Gene: NIPBL (NIPBL cohesin loading factor; plus strand). Cytogenetic location: 5p13.2.
Variant type: single nucleotide variant.
Coding change: c.1178A>G on transcript NM_133433.4 (MANE Select); coding-DNA position 1178, A replaced by G.
Protein change: p.Asn393Ser; replaces asparagine 393 with serine.
Molecular consequence: missense variant.
Genome position (GRCh38, 1-based): chr5:36,976,085, A>G. VCF-style: chr5-36976085-A-G. GRCh37 (hg19) VCF-style: chr5-36976187-A-G.
Other names: c.1178A>G (NM_133433.3); c.1178A>G, p.Asn393Ser (NM_015384.5); short protein forms N393S.
Identifiers: ClinVar variation 1678562 (VCV001678562.3), dbSNP rs777670369, ClinGen allele CA117031716.

ClinVar aggregate classification (germline): Likely benign. Review status: criteria provided, multiple submitters, no conflicts (2 of 4 stars). 2 submissions from 2 submitters: Likely benign (2). Last evaluated 2021-11-11.

Conditions:
Cornelia de Lange syndrome 1 (CDLS1). Also called: Brachmann de Lange syndrome; TYPUS DEGENERATIVUS AMSTELODAMENSIS; NIPBL-Related Cornelia de Lange Syndrome. Identifiers: Orphanet 199, MedGen C4551851, MONDO:0007387, OMIM 122470.

Allele frequency attached by ClinVar (database versions not stated): gnomAD exomes below 0.00001; gnomAD 0.00001; TOPMed 0.00001.

Submissions (2):

Molecular Genetics, Royal Melbourne Hospital
Classification: Likely benign for Cornelia de Lange syndrome 1. Last evaluated: 2021-11-11. Review status: criteria provided, single submitter. Criteria: ACMG Guidelines, 2015. Collection method: clinical testing. Allele origin: germline. Affected: no.
Comment: This sequence change is predicted to replace asparagine with serine at codon 393 of the NIPBL protein (p.(Asn393Ser)). The asparagine residue is moderately conserved (100 vertebrates, UCSC), and is not located in a known functional domain. There is a small physicochemical difference between asparagine and serine. The variant is present in a single individual in a large population cohort (1/143,238 alleles in gnomAD v3.0 and absent in gnomAD v2.1), and has not been reported in the relevant medical literature. The variant was found to be paternally inherited in an isolated case with syndromic intellectual disability (Royal Melbourne Hospital, Shariant) and identified in two individuals without syndromic features in the TOPMed cohort. Multiple lines of computational evidence have conflicting predictions for the missense substitution (3/6 algorithms predict deleterious). Based on the classification scheme RMH ACMG Guidelines v1.4.0, this variant is classified as LIKELY BENIGN. Following criteria are met: BS2.

Victorian Clinical Genetics Services, Murdoch Childrens Research Institute
Classification: Likely benign for Cornelia de Lange syndrome 1. Last evaluated: 2021-05-06. Review status: criteria provided, single submitter. Criteria: ACMG Guidelines, 2015. Collection method: clinical testing. Allele origin: germline. Inheritance: Autosomal dominant inheritance.
Comment: Based on the classification scheme VCGS_Germline_v1.3.4, this variant is classified as Likely benign. Following criteria are met: 0102 - Loss of function is a known mechanism of disease in this gene and is associated with Cornelia de Lange syndrome 1 (CdL; MIM#122470). (I) 0107 - This gene is associated with autosomal dominant disease. (I) 0115 - Variants in this gene are known to have variable expressivity. Variants in the NIPBL gene have been associated with the classic and more severe form of CdL, however protein truncating variants in this gene seem to result in a more severe phenotype than missense and in-frame variants (PMID: 20301283). (I) 0200 - Variant is predicted to result in a missense amino acid change from asparagine to serine. (I) 0251 - This variant is heterozygous. (I) 0302 - Variant is present in gnomAD (v3) <0.001 for a dominant condition (1 heterozygote, 0 homozygotes). (SP) 0309 - An alternative amino acid change at the same position has been observed in gnomAD (v3) 1 heterozygote, 0 homozygotes). (I) 0502 - Missense variant with conflicting in silico predictions and uninformative conservation. (I) 0604 - Variant is not located in an established domain, motif, hotspot or informative constraint region. (I) 0710 - Another missense variant comparable to the one identified in this case has inconclusive previous evidence for pathogenicity. It has been reported in two individuals with atrioventricular septal defect who also harboured variants in other genes (CHD7 and CEP152), as well as in a control sample (PMID: 25996639). (I) 0807 - This variant has no previous evidence of pathogenicity. (I) 0905 - No published segregation evidence has been identified for this variant. (I) 1007 - No published functional evidence has been identified for this variant. (I) Legend: (SP) - Supporting pathogenic, (I) - Information, (SB) - Supporting benign

Literature cited by the submitters: PubMed 20301283 (cited by Victorian Clinical Genetics Services, Murdoch Childrens Research Institute); PubMed 25996639 (cited by Victorian Clinical Genetics Services, Murdoch Childrens Research Institute).